The following is an entry in ClinVar:

ClinVar aggregate classification (germline): Uncertain significance (1 of 4 stars; one submission).

Conditions:
Amyotrophic lateral sclerosis type 10 (ALS10). Also called: Amyotrophic lateral sclerosis 10, with or without FTD; AMYOTROPHIC LATERAL SCLEROSIS 10 WITHOUT FRONTOTEMPORAL DEMENTIA AND WITH TDP43 INCLUSIONS; AMYOTROPHIC LATERAL SCLEROSIS 10 WITH OR WITHOUT FRONTOTEMPORAL DEMENTIA AND WITH TDP43 INCLUSIONS; AMYOTROPHIC LATERAL SCLEROSIS 10 WITH OR WITHOUT FRONTOTEMPORAL DEMENTIA; TARDBP-Related Amyotrophic Lateral Sclerosis-Frontotemporal Dementia. Identifiers: Orphanet 275872, Orphanet 803, MedGen C2677565, MONDO:0012790, OMIM 612069.
FRONTOTEMPORAL LOBAR DEGENERATION WITH TDP43 INCLUSIONS, TARDBP-RELATED. Also called: Frontotemporal lobar degeneration, TARDBP-related. Identifiers: MedGen C3150169, OMIM 612069.

Submission:

Labcorp Genetics (formerly Invitae), Labcorp
Classification: Uncertain significance for Amyotrophic lateral sclerosis type 10; FRONTOTEMPORAL LOBAR DEGENERATION WITH TDP43 INCLUSIONS, TARDBP-RELATED. Last evaluated: 2026-01-07. Review status: criteria provided, single submitter. Criteria: Invitae Variant Classification Sherloc (09022015). Collection method: clinical testing. Allele origin: germline.
Comment: This sequence change replaces methionine, which is neutral and non-polar, with valine, which is neutral and non-polar, at codon 218 of the TARDBP protein (p.Met218Val). This variant is not present in population databases (gnomAD no frequency). This variant has not been reported in the literature in individuals affected with TARDBP-related conditions. Invitae Evidence Modeling of protein sequence and biophysical properties (such as structural, functional, and spatial information, amino acid conservation, physicochemical variation, residue mobility, and thermodynamic stability) indicates that this missense variant is not expected to disrupt TARDBP protein function with a negative predictive value of 80%. In summary, the available evidence is currently insufficient to determine the role of this variant in disease. Therefore, it has been classified as a Variant of Uncertain Significance.

NM_007375.4(TARDBP):c.652A>G (p.Met218Val)

Gene: TARDBP (TAR DNA binding protein; plus strand). Cytogenetic location: 1p36.22.
Variant type: single nucleotide variant.
Coding change: c.652A>G on transcript NM_007375.4 (MANE Select); coding-DNA position 652, A replaced by G.
Protein change: p.Met218Val; replaces methionine 218 with valine.
Molecular consequence: missense variant.
Genome position (GRCh38, 1-based): chr1:11,020,537, A>G. VCF-style: chr1-11020537-A-G. GRCh37 (hg19) VCF-style: chr1-11080594-A-G.
Other names: short protein forms M218V.
Identifiers: ClinVar variation 4782830 (VCV004782830.1).